The following is an entry in ClinVar:

ClinVar aggregate classification (germline): Conflicting classifications of pathogenicity. Review status: criteria provided, conflicting classifications (1 of 4 stars). 3 submissions from 3 submitters: Uncertain significance (2); Likely benign (1). Last evaluated 2022-03-05.

Conditions:
Bethlem myopathy 1A. Also called: Bethlem myopathy 1; MYOPATHY, BENIGN CONGENITAL, WITH CONTRACTURES; Bethlem Muscular Dystrophy. Identifiers: Orphanet 610, MedGen CN029274, MONDO:0024530, OMIM 158810.

Allele frequency attached by ClinVar (database versions not stated): gnomAD exomes below 0.00001 and 0.00002.
gnomAD v4.1: 22 of 1,600,828 alleles (0.0014%); highest among the groups gnomAD compares: Non-Finnish European, 0.0018%; no homozygotes.

Submissions (3):

Labcorp Genetics (formerly Invitae), Labcorp
Classification: Likely benign for Bethlem myopathy 1A. Last evaluated: 2022-03-05. Review status: criteria provided, single submitter. Criteria: Invitae Variant Classification Sherloc (09022015). Collection method: clinical testing. Allele origin: germline.

GeneDx
Classification: Uncertain significance. Last evaluated: 2021-04-14. Review status: criteria provided, single submitter. Criteria: GeneDx Variant Classification Process June 2021. Collection method: clinical testing. Allele origin: germline. Affected: yes.
Comment: Not observed at a significant frequency in large population cohorts (Lek et al., 2016); In silico analysis supports that this missense variant does not alter protein structure/function; Has not been previously published as pathogenic or benign to our knowledge

Revvity Omics, Revvity
Classification: Uncertain significance. Last evaluated: 2020-05-26. Review status: criteria provided, single submitter. Criteria: ACMG Guidelines, 2015. Collection method: clinical testing. Allele origin: germline.

NM_001848.3(COL6A1):c.2476T>A (p.Ser826Thr)

Gene: COL6A1 (collagen type VI alpha 1 chain; plus strand). Cytogenetic location: 21q22.3.
Variant type: single nucleotide variant.
Coding change: c.2476T>A on transcript NM_001848.3 (MANE Select); coding-DNA position 2476, T replaced by A.
Protein change: p.Ser826Thr; replaces serine 826 with threonine.
Molecular consequence: missense variant.
Genome position (GRCh38, 1-based): chr21:46,003,402, T>A. VCF-style: chr21-46003402-T-A. GRCh37 (hg19) VCF-style: chr21-47423316-T-A.
Other names: short protein forms S826T.
Identifiers: ClinVar variation 1300696 (VCV001300696.8), dbSNP rs1427066240, ClinGen allele CA410538953.